The following is an entry in ClinVar:

ClinVar aggregate classification (germline): Uncertain significance (1 of 4 stars; one submission).

Conditions:
T-cell immunodeficiency, congenital alopecia, and nail dystrophy. Also called: Congenital alopecia and nail dystrophy associated with severe functional T-cell immunodeficiency; Pignata Guarino syndrome. Identifiers: Orphanet 169095, MedGen C1866426, MONDO:0011132, OMIM 601705.

Allele frequency attached by ClinVar (database versions not stated): ExAC 0.00001; gnomAD 0.00001; gnomAD exomes 0.00001; TOPMed 0.00002; ESP Exome Variant Server 0.00008.
gnomAD v4.1: 76 of 1,613,206 alleles (0.0047%); highest among the groups gnomAD compares: Non-Finnish European, 0.0064%; no homozygotes.

Submission:

Labcorp Genetics (formerly Invitae), Labcorp
Classification: Uncertain significance for T-cell immunodeficiency, congenital alopecia, and nail dystrophy. Last evaluated: 2025-10-29. Review status: criteria provided, single submitter. Criteria: Invitae Variant Classification Sherloc (09022015). Collection method: clinical testing. Allele origin: germline.
Comment: This sequence change replaces arginine, which is basic and polar, with histidine, which is basic and polar, at codon 372 of the FOXN1 protein (p.Arg372His). This variant is present in population databases (rs371817664, gnomAD 0.005%). This variant has not been reported in the literature in individuals affected with FOXN1-related conditions. ClinVar contains an entry for this variant (Variation ID: 1006933). Invitae Evidence Modeling of protein sequence and biophysical properties (such as structural, functional, and spatial information, amino acid conservation, physicochemical variation, residue mobility, and thermodynamic stability) indicates that this missense variant is not expected to disrupt FOXN1 protein function with a negative predictive value of 80%. In summary, the available evidence is currently insufficient to determine the role of this variant in disease. Therefore, it has been classified as a Variant of Uncertain Significance.

NM_001369369.1(FOXN1):c.1115G>A (p.Arg372His)

Gene: FOXN1 (forkhead box N1; plus strand). Cytogenetic location: 17q11.2.
Variant type: single nucleotide variant.
Coding change: c.1115G>A on transcript NM_001369369.1 (MANE Select); coding-DNA position 1115, G replaced by A.
Protein change: p.Arg372His; replaces arginine 372 with histidine.
Molecular consequence: missense variant.
Genome position (GRCh38, 1-based): chr17:28,534,518, G>A. VCF-style: chr17-28534518-G-A. GRCh37 (hg19) VCF-style: chr17-26861536-G-A.
Other names: c.1115G>A, p.Arg372His (NM_003593.3); short protein forms R372H.
Identifiers: ClinVar variation 1006933 (VCV001006933.3), dbSNP rs371817664, ClinGen allele CA8459432.